The following is an entry in ClinVar:

ClinVar aggregate classification (germline): Uncertain significance (1 of 4 stars; one submission).

Conditions:
Hereditary spastic paraplegia 61. Also called: Spastic paraplegia 61, autosomal recessive. Identifiers: Orphanet 401780, MedGen C3810294, MONDO:0014304, OMIM 615685.

Allele frequency attached by ClinVar (database versions not stated): gnomAD 0.00001; TOPMed 0.00001; gnomAD exomes 0.00007 and 0.00010; ESP Exome Variant Server 0.00008; ExAC 0.00015.
gnomAD v4.1: 100 of 1,613,202 alleles (0.0062%); highest among the groups gnomAD compares: Non-Finnish European, 0.0078%; no homozygotes.

Submission:

Labcorp Genetics (formerly Invitae), Labcorp
Classification: Uncertain significance for Hereditary spastic paraplegia 61. Last evaluated: 2021-02-15. Review status: criteria provided, single submitter. Criteria: Invitae Variant Classification Sherloc (09022015). Collection method: clinical testing. Allele origin: germline.
Comment: In summary, the available evidence is currently insufficient to determine the role of this variant in disease. Therefore, it has been classified as a Variant of Uncertain Significance. Algorithms developed to predict the effect of missense changes on protein structure and function are either unavailable or do not agree on the potential impact of this missense change (SIFT: "Not Available"; PolyPhen-2: "Benign"; Align-GVGD: "Not Available"). This variant has not been reported in the literature in individuals with ARL6IP1-related conditions. This variant is present in population databases (rs148872516, ExAC 0.03%). This sequence change replaces arginine with lysine at codon 189 of the ARL6IP1 protein (p.Arg189Lys). The arginine residue is highly conserved and there is a small physicochemical difference between arginine and lysine.

NM_015161.3(ARL6IP1):c.566G>A (p.Arg189Lys)

Gene: ARL6IP1 (ARL6 interacting reticulophagy regulator 1; minus strand). Cytogenetic location: 16p12.3.
Variant type: single nucleotide variant.
Coding change: c.566G>A on transcript NM_015161.3 (MANE Select); coding-DNA position 566, G replaced by A.
Protein change: p.Arg189Lys; replaces arginine 189 with lysine.
Molecular consequence: missense variant.
Genome position (GRCh38, 1-based): chr16:18,793,298, C>T on the plus strand (G>A on the coding strand, the complement: ARL6IP1 is on the minus strand). VCF-style: chr16-18793298-C-T. GRCh37 (hg19) VCF-style: chr16-18804620-C-T.
Other names: c.479G>A, p.Arg160Lys (NM_001313858.1); short protein forms R189K, R160K.
Identifiers: ClinVar variation 1403306 (VCV001403306.4), dbSNP rs148872516, ClinGen allele CA7929396.